The following is an entry in ClinVar:

ClinVar aggregate classification (germline): Benign (1 of 4 stars; one submission).

Conditions:
Intellectual developmental disorder, X-linked 93. Also called: Intellectual disability, X-linked 93; MENTAL RETARDATION, X-LINKED, WITH MACROCEPHALY. Identifiers: MedGen C1970841, MONDO:0010393, OMIM 300659.

Allele frequency attached by ClinVar (database versions not stated): gnomAD 0.00006 and 0.00013; 1000 Genomes Project 0.00106; TOPMed 0.00005; 1000 Genomes Project 30x 0.00083.
gnomAD v4.1: 14 of 111,506 alleles (0.013%); highest among the groups gnomAD compares: East Asian, 0.4%; no homozygotes.

Submission:

Illumina Laboratory Services, Illumina
Classification: Benign for Intellectual developmental disorder, X-linked 93. Last evaluated: 2018-01-12. Review status: criteria provided, single submitter. Criteria: ICSL Variant Classification Criteria 13 December 2019. Collection method: clinical testing. Allele origin: germline.
Comment: This variant was observed in the ICSL laboratory as part of a predisposition screen in an ostensibly healthy population. It had not been previously curated by ICSL or reported in the Human Gene Mutation Database (HGMD: prior to June 1st, 2018), and was therefore a candidate for classification through an automated scoring system. Utilizing variant allele frequency, disease prevalence and penetrance estimates, and inheritance mode, an automated score was calculated to assess if this variant is too frequent to cause the disease. Based on the score and internal cut-off values, a variant classified as benign is not then subjected to further curation. The score for this variant resulted in a classification of benign for this disease.

NM_153252.5(BRWD3):c.*5741G>T

Gene: BRWD3 (bromodomain and WD repeat domain containing 3; minus strand). Cytogenetic location: Xq21.1.
Variant type: single nucleotide variant.
Coding change: c.*5741G>T on transcript NM_153252.5 (MANE Select); 5741 bases downstream of the stop codon, G replaced by T.
Molecular consequence: 3 prime UTR variant.
Genome position (GRCh38, 1-based): chrX:80,670,868, C>A on the plus strand (G>T on the coding strand, the complement: BRWD3 is on the minus strand). VCF-style: chrX-80670868-C-A. GRCh37 (hg19) VCF-style: chrX-79926367-C-A.
Identifiers: ClinVar variation 914668 (VCV000914668.4), dbSNP rs139358289, ClinGen allele CA331835369.
Genomic context (GRCh38, chrX:80,670,868, plus strand): 5'-ACTTATCTCCACTTCAATCTCTGAATATTGTAAAAAATCAGTCTACTTTTTTCCTAAATG[C>A]ATTTTTTTTATTCTAAATACACAAAATACACAGTATATATATATCAAAGATACAGTCCAG-3'